The following is an entry in ClinVar:

ClinVar aggregate classification (germline): Uncertain significance (1 of 4 stars; one submission).

Allele frequency attached by ClinVar (database versions not stated): gnomAD 0.00001; gnomAD exomes 0.00001; ExAC 0.00002; TOPMed 0.00003.
gnomAD v4.1: 9 of 1,608,524 alleles (0.00056%); highest among the groups gnomAD compares: Admixed American, 0.0084%; no homozygotes.

Submission:

Labcorp Genetics (formerly Invitae), Labcorp
Classification: Uncertain significance. Last evaluated: 2025-05-12. Review status: criteria provided, single submitter. Criteria: Invitae Variant Classification Sherloc (09022015). Collection method: clinical testing. Allele origin: germline.
Comment: This sequence change replaces serine, which is neutral and polar, with leucine, which is neutral and non-polar, at codon 364 of the DNA2 protein (p.Ser364Leu). This variant is present in population databases (rs777907327, gnomAD 0.006%). This variant has not been reported in the literature in individuals affected with DNA2-related conditions. ClinVar contains an entry for this variant (Variation ID: 1346681). Invitae Evidence Modeling of protein sequence and biophysical properties (such as structural, functional, and spatial information, amino acid conservation, physicochemical variation, residue mobility, and thermodynamic stability) indicates that this missense variant is not expected to disrupt DNA2 protein function with a negative predictive value of 80%. In summary, the available evidence is currently insufficient to determine the role of this variant in disease. Therefore, it has been classified as a Variant of Uncertain Significance.

NM_001080449.3(DNA2):c.1091C>T (p.Ser364Leu)

Gene: DNA2 (DNA replication helicase/nuclease 2; minus strand). Cytogenetic location: 10q21.3.
Variant type: single nucleotide variant.
Coding change: c.1091C>T on transcript NM_001080449.3 (MANE Select); coding-DNA position 1091, C replaced by T.
Protein change: p.Ser364Leu; replaces serine 364 with leucine.
Molecular consequence: missense variant. On other transcripts: non-coding transcript variant (1).
Genome position (GRCh38, 1-based): chr10:68,445,050, G>A on the plus strand (C>T on the coding strand, the complement: DNA2 is on the minus strand). VCF-style: chr10-68445050-G-A. GRCh37 (hg19) VCF-style: chr10-70204807-G-A.
Other names: short protein forms S364L.
Identifiers: ClinVar variation 1346681 (VCV001346681.6), dbSNP rs777907327, ClinGen allele CA5525130.
Genomic context (GRCh38, chr10:68,445,050, plus strand): 5'-GGCAAAGAAGCAAGCTGTGTCTTCTGTCTAGTAGCAGATTTGCTAATACGGTGAAACAAT[G>A]AGAATGCCATCTGGTTTCTTAGCTTTAATAATTCTATGAAAAAAAAGGTGAATGTCTTTT-3'
Protein context (NP_001073918.2, residues 354-374): LLKLRNQMAF[Ser364Leu]LFHRISKSAT